The following is an entry in ClinVar:

ClinVar aggregate classification (germline): Uncertain significance (1 of 4 stars; one submission).

Conditions:
Congenital contractural arachnodactyly (CCA). Also called: Beals-Hecht syndrome; BEALS SYNDROME; Arthrogryposis, distal, type 9. Identifiers: Orphanet 115, MedGen C0220668, MONDO:0007363, OMIM 121050.

Submission:

Labcorp Genetics (formerly Invitae), Labcorp
Classification: Uncertain significance for Congenital contractural arachnodactyly. Last evaluated: 2019-05-04. Review status: criteria provided, single submitter. Criteria: Invitae Variant Classification Sherloc (09022015). Collection method: clinical testing. Allele origin: germline.
Comment: In summary, this variant is a novel missense change with uncertain impact on protein function. It has been classified as a Variant of Uncertain Significance. Algorithms developed to predict the effect of missense changes on protein structure and function do not agree on the potential impact of this missense change (SIFT: "Deleterious"; PolyPhen-2: "Benign"; Align-GVGD: "Class C0"). This variant is not present in population databases (ExAC no frequency) and has not been reported in the literature in individuals with a FBN2-related disease. This sequence change replaces methionine with isoleucine at codon 1320 of the FBN2 protein (p.Met1320Ile). The methionine residue is highly conserved and there is a small physicochemical difference between methionine and isoleucine.

NM_001999.4(FBN2):c.3960G>T (p.Met1320Ile)

Gene: FBN2 (fibrillin 2; minus strand). Cytogenetic location: 5q23.3.
Variant type: single nucleotide variant.
Coding change: c.3960G>T on transcript NM_001999.4 (MANE Select); coding-DNA position 3960, G replaced by T.
Protein change: p.Met1320Ile; replaces methionine 1320 with isoleucine.
Molecular consequence: missense variant.
Genome position (GRCh38, 1-based): chr5:128,335,183, C>A on the plus strand (G>T on the coding strand, the complement: FBN2 is on the minus strand). VCF-style: chr5-128335183-C-A. GRCh37 (hg19) VCF-style: chr5-127670875-C-A.
Other names: short protein forms M1320I.
Identifiers: ClinVar variation 458766 (VCV000458766.11), dbSNP rs1554122803, ClinGen allele CA360757311.